The following is an entry in ClinVar:

NM_012414.4(RAB3GAP2):c.1714+5G>A

Gene: RAB3GAP2 (RAB3 GTPase activating non-catalytic protein subunit 2; minus strand). Cytogenetic location: 1q41.
Variant type: single nucleotide variant.
Coding change: c.1714+5G>A on transcript NM_012414.4 (MANE Select); 5 bases into the intron after coding-DNA position 1714, G replaced by A.
Molecular consequence: intron variant.
Genome position (GRCh38, 1-based): chr1:220,190,059, C>T on the plus strand (G>A on the coding strand, the complement: RAB3GAP2 is on the minus strand). VCF-style: chr1-220190059-C-T. GRCh37 (hg19) VCF-style: chr1-220363401-C-T.
Identifiers: ClinVar variation 2160482 (VCV002160482.4), dbSNP rs368351197, ClinGen allele CA1402625.

ClinVar aggregate classification (germline): Uncertain significance (1 of 4 stars; one submission).

Conditions:
Martsolf syndrome (MARTS). Also called: Congenital cataract with intellectual disability and hypogonadotropic hypogonadism syndrome. Identifiers: Orphanet 1387, MedGen C0796037, MONDO:0023910.
Warburg micro syndrome 2 (WARBM2). Also called: MICRO SYNDROME 2. Identifiers: Orphanet 2510, MedGen C3280214, MONDO:0013641, OMIM 614225.

Allele frequency attached by ClinVar (database versions not stated): TOPMed below 0.00001; ExAC 0.00001; gnomAD exomes 0.00001; ESP Exome Variant Server 0.00008.
gnomAD v4.1: 7 of 1,591,398 alleles (0.00044%); highest among the groups gnomAD compares: Non-Finnish European, 0.0006%; no homozygotes.

Submission:

Labcorp Genetics (formerly Invitae), Labcorp
Classification: Uncertain significance for Martsolf syndrome; Warburg micro syndrome 2. Last evaluated: 2022-06-08. Review status: criteria provided, single submitter. Criteria: Invitae Variant Classification Sherloc (09022015). Collection method: clinical testing. Allele origin: germline.
Comment: In summary, the available evidence is currently insufficient to determine the role of this variant in disease. Therefore, it has been classified as a Variant of Uncertain Significance. Variants that disrupt the consensus splice site are a relatively common cause of aberrant splicing (PMID: 17576681, 9536098). Algorithms developed to predict the effect of sequence changes on RNA splicing suggest that this variant may disrupt the consensus splice site. This variant has not been reported in the literature in individuals affected with RAB3GAP2-related conditions. This variant is present in population databases (rs368351197, gnomAD 0.0009%). This sequence change falls in intron 16 of the RAB3GAP2 gene. It does not directly change the encoded amino acid sequence of the RAB3GAP2 protein. It affects a nucleotide within the consensus splice site.

Literature cited by the submitters: PubMed 17576681; PubMed 9536098.